The following is an entry in ClinVar:

NM_178857.6(RP1L1):c.407G>A (p.Arg136His)

Gene: RP1L1 (RP1 like 1). Cytogenetic location: 8p23.1.
Variant type: single nucleotide variant.
Coding change: c.407G>A on transcript NM_178857.6 (MANE Select); coding-DNA position 407, G replaced by A.
Protein change: p.Arg136His; replaces arginine 136 with histidine.
Molecular consequence: missense variant.
Genome position (GRCh38, 1-based): chr8:10,622,795, C>T on the plus strand (G>A on the coding strand, the complement: RP1L1 is on the minus strand). VCF-style: chr8-10622795-C-T. GRCh37 (hg19) VCF-style: chr8-10480305-C-T.
Other names: short protein forms R136H.
Identifiers: ClinVar variation 361413 (VCV000361413.59), dbSNP rs189960401, ClinGen allele CA4625718.

ClinVar aggregate classification (germline): Benign/Likely benign. Review status: criteria provided, multiple submitters, no conflicts (2 of 4 stars). 7 submissions from 7 submitters: Benign (1); Likely benign (4). 2 of the submissions do not count toward it. Last evaluated 2026-06-01.

Conditions:
Occult macular dystrophy (OCMD). Also called: OMD; OCCULT MACULAR DYSTROPHY, SUSCEPTIBILITY TO. Identifiers: Orphanet 247834, MedGen C3150833, MONDO:0013316, OMIM 613587, HP:0030636.
Inborn genetic diseases. Identifiers: MedGen C0950123, MeSH D030342.

Allele frequency attached by ClinVar (database versions not stated): 1000 Genomes Project 30x 0.00141; 1000 Genomes Project 0.00160; gnomAD 0.00242; TOPMed 0.00289; ESP Exome Variant Server 0.00376; gnomAD exomes 0.00404.

Submissions (7):

CeGaT Center for Human Genetics Tuebingen
Classification: Likely benign. Last evaluated: 2026-06-01. Review status: criteria provided, single submitter. Criteria: CeGaT Center For Human Genetics Tuebingen Variant Classification Criteria Version 2. Collection method: clinical testing. Allele origin: germline. Affected: yes. Observed: 7 variant alleles.
Comment: RP1L1: BP4, BS2

Labcorp Genetics (formerly Invitae), Labcorp
Classification: Benign. Last evaluated: 2026-01-18. Review status: criteria provided, single submitter. Criteria: Invitae Variant Classification Sherloc (09022015). Collection method: clinical testing. Allele origin: germline.

Ambry Genetics
Classification: Likely benign for Inborn genetic diseases. Last evaluated: 2021-11-04. Review status: criteria provided, single submitter. Criteria: Ambry Variant Classification Scheme 2023. Collection method: clinical testing. Allele origin: germline.

Illumina Laboratory Services, Illumina
Classification: Likely benign for Occult macular dystrophy. Last evaluated: 2017-04-27. Review status: criteria provided, single submitter. Criteria: ICSL Variant Classification Criteria 13 December 2019. Collection method: clinical testing. Allele origin: germline.
Comment: This variant was observed as part of a predisposition screen in an ostensibly healthy population. A literature search was performed for the gene, cDNA change, and amino acid change (where applicable). No publications were found based on this search. Allele frequency data from public databases allowed determination this variant is unlikely to cause disease. Therefore, this variant is classified as likely benign.

Breakthrough Genomics
Classification: Likely benign. Review status: criteria provided, single submitter. Criteria: ACMG Guidelines, 2015. Collection method: not provided. Allele origin: germline. Inheritance: Autosomal recessive inheritance. Affected: yes.

Clinical Genetics DNA and cytogenetics Diagnostics Lab, Erasmus MC, Erasmus Medical Center
Classification: Likely benign. Review status: no assertion criteria provided. Collection method: clinical testing. Allele origin: germline. Affected: yes. Study: VKGL Data-share Consensus. Not counted in ClinVar's aggregate classification.

Clinical Genetics, Academic Medical Center
Classification: Benign. Review status: no assertion criteria provided. Collection method: clinical testing. Allele origin: germline. Affected: yes. Study: VKGL Data-share Consensus. Not counted in ClinVar's aggregate classification.